The following is an entry in ClinVar:

NM_000038.6(APC):c.1212C>T (p.Ile404=)

Gene: APC (APC regulator of Wnt signaling pathway; plus strand). Cytogenetic location: 5q22.2.
Variant type: single nucleotide variant.
Coding change: c.1212C>T on transcript NM_000038.6 (MANE Select); coding-DNA position 1212, C replaced by T.
Protein change: p.Ile404=; no amino-acid change (isoleucine 404 retained).
Molecular consequence: synonymous variant. On other transcripts: non-coding transcript variant (2), intron variant (15).
Genome position (GRCh38, 1-based): chr5:112,819,244, C>T. VCF-style: chr5-112819244-C-T. GRCh37 (hg19) VCF-style: chr5-112154941-C-T.
Other names: c.1212C>T, p.Ile404= (NM_001127510.3, NM_001354895.2, NM_001354896.2 and 4 more transcripts); c.1158C>T, p.Ile386= (NM_001127511.3); c.1242C>T, p.Ile414= (NM_001354897.2, NM_001407446.1); c.1137C>T, p.Ile379= (NM_001354898.2, NM_001407451.1); c.1128C>T, p.Ile376= (NM_001354899.2, NM_001407452.1); c.1035C>T, p.Ile345= (NM_001354900.2, NM_001354901.2, NM_001407453.1); c.363C>T, p.Ile121= (NM_001354906.2, NM_001407470.1); c.85-25C>T (NM_001407472.1, NM_001407471.1); and 5 more.
Identifiers: ClinVar variation 1750727 (VCV001750727.2), dbSNP rs1762856159, ClinGen allele CA445960350.

ClinVar aggregate classification (germline): Benign/Likely benign. Review status: criteria provided, multiple submitters, no conflicts (2 of 4 stars). 2 submissions from 2 submitters: Benign (1); Likely benign (1). Last evaluated 2024-03-01.

Conditions:
Hereditary cancer-predisposing syndrome. Also called: Hereditary Cancer Syndrome; Hereditary neoplastic syndrome; Neoplastic Syndromes, Hereditary; Tumor predisposition. Identifiers: Orphanet 140162, MedGen C0027672, MeSH D009386, MONDO:0015356.
Familial adenomatous polyposis 1 (FAP1). Also called: FAMILIAL ADENOMATOUS POLYPOSIS 1, ATTENUATED; POLYPOSIS, ADENOMATOUS INTESTINAL. Identifiers: MedGen C2713442, MONDO:0021056, OMIM 175100. Disease mechanism: loss of function.

Submissions (2):

Myriad Genetics, Inc.
Classification: Benign for Familial adenomatous polyposis 1. Last evaluated: 2024-03-01. Review status: criteria provided, single submitter. Criteria: Myriad Autosomal Dominant, Autosomal Recessive and X-Linked Classification Criteria (2023). Collection method: clinical testing. Allele origin: unknown.
Comment: This variant is considered benign. This variant is a silent/synonymous amino acid change and it is not expected to impact splicing.

Ambry Genetics
Classification: Likely benign for Hereditary cancer-predisposing syndrome. Last evaluated: 2019-06-11. Review status: criteria provided, single submitter. Criteria: Ambry Variant Classification Scheme 2023. Collection method: clinical testing. Allele origin: germline.